The following is an entry in ClinVar:

ClinVar aggregate classification (germline): Conflicting classifications of pathogenicity. Review status: criteria provided, conflicting classifications (1 of 4 stars). 6 submissions from 5 submitters: Likely pathogenic (5); Uncertain significance (1). Last evaluated 2025-11-01.

Conditions:
Benign familial hematuria. Also called: thin basement membrane disease. Identifiers: MedGen C0241908, MONDO:0957317.
Autosomal dominant Alport syndrome (ATS3A). Also called: ALPORT SYNDROME 3A, AUTOSOMAL DOMINANT; Alport syndrome dominant type; Renal failure and sensorineural hearing loss. Identifiers: Orphanet 63, Orphanet 88918, MedGen C5882663, MONDO:0007086, OMIM 104200.
Hematuria, benign familial, 2 (BFH2). Identifiers: MedGen C5830421, MONDO:0958186, OMIM 620320.
Alport syndrome 3b, autosomal recessive. Identifiers: MedGen C5882699, MONDO:0957811, OMIM 620536.
Autosomal recessive Alport syndrome (ATS2). Also called: COL4A4 Alport Syndrome and Thin Basement Membrane Nephropathy; ALPORT SYNDROME 2, AUTOSOMAL RECESSIVE; COL4A3-Related Nephropathy; Alport syndrome type 2. Identifiers: Orphanet 63, Orphanet 88919, MedGen C4746745, MONDO:0008762, OMIM 203780.

Allele frequency attached by ClinVar (database versions not stated): gnomAD exomes below 0.00001; gnomAD 0.00001.
gnomAD v4.1: 2 of 1,614,082 alleles (0.00012%); highest among the groups gnomAD compares: East Asian, 0.0022%; no homozygotes.

Submissions (6):

Labcorp Genetics (formerly Invitae), Labcorp
Classification: Uncertain significance. Last evaluated: 2025-11-01. Review status: criteria provided, single submitter. Criteria: Invitae Variant Classification Sherloc (09022015). Collection method: clinical testing. Allele origin: germline.
Comment: This sequence change replaces glycine, which is neutral and non-polar, with arginine, which is basic and polar, at codon 557 of the COL4A3 protein (p.Gly557Arg). This variant is present in population databases (no rsID available, gnomAD 0.06%). This variant has not been reported in the literature in individuals affected with COL4A3-related conditions. ClinVar contains an entry for this variant (Variation ID: 838332). Invitae Evidence Modeling of protein sequence and biophysical properties (such as structural, functional, and spatial information, amino acid conservation, physicochemical variation, residue mobility, and thermodynamic stability) indicates that this missense variant is expected to disrupt COL4A3 protein function with a positive predictive value of 80%. In summary, the available evidence is currently insufficient to determine the role of this variant in disease. Therefore, it has been classified as a Variant of Uncertain Significance.

MVZ Medizinische Genetik Mainz
Classification: Likely pathogenic for Autosomal dominant Alport syndrome. Last evaluated: 2024-10-01. Review status: criteria provided, single submitter. Criteria: UK Practice Guidelines For Variant Classification V4 01 2020. Collection method: clinical testing. Allele origin: germline. Inheritance: Autosomal dominant inheritance. Affected: yes. Observed: 1 variant allele.
Comment: ACMG Criteria: PM1_STR,PM2_SUP,PP3,PP4

ARUP Laboratories, Molecular Genetics and Genomics, ARUP Laboratories
Classification: Likely pathogenic. Last evaluated: 2024-05-20. Review status: criteria provided, single submitter. Criteria: ARUP Molecular Germline Variant Investigation Process 2024. Collection method: clinical testing. Allele origin: germline.
Comment: The COL4A3 c.1669G>A; p.Gly557Arg variant (rs1457269547), to our knowledge, is not reported in the medical literature but is reported in ClinVar (Variation ID: 838332). This variant is only observed on one allele in the Genome Aggregation Database (v2.1.1), indicating it is not a common polymorphism. Computational analyses predict that this variant is deleterious (REVEL: 0.988). Additionally, this glycine occurs in a Gly-X-Y repeat region in a collagen triple helix region, a critical functional domain (Savige 2021). Based on available information, this variant is considered to be likely pathogenic. References: Savige J et al. Consensus statement on standards and guidelines for the molecular diagnostics of Alport syndrome: refining the ACMG criteria. Eur J Hum Genet. 2021 Aug;29(8):1186-1197. PMID: 33854215

Fulgent Genetics
Classification: Likely pathogenic for Autosomal dominant Alport syndrome; Hematuria, benign familial, 2; Alport syndrome 3b, autosomal recessive. Last evaluated: 2023-12-29. Review status: criteria provided, single submitter. Criteria: ACMG Guidelines, 2015. Collection method: clinical testing. Allele origin: germline.

Institute of Human Genetics Munich, TUM University Hospital
Classification: Likely pathogenic for Hematuria, benign familial, 1. Last evaluated: 2022-08-31. Review status: criteria provided, single submitter. Criteria: Classification criteria August 2017. Collection method: clinical testing. Allele origin: germline. Inheritance: Autosomal dominant inheritance. Affected: yes. Observed: 1 variant allele.

Fulgent Genetics
Classification: Likely pathogenic for Autosomal dominant Alport syndrome; Hematuria, benign familial, 1; Autosomal recessive Alport syndrome. Last evaluated: 2021-06-30. Review status: criteria provided, single submitter. Criteria: ACMG Guidelines, 2015. Collection method: clinical testing. Allele origin: unknown.
Comment: This variant has been detected in individual(s) who were sent for testing of Renasight - kidney gene panel.

NM_000091.5(COL4A3):c.1669G>A (p.Gly557Arg)

Genes: COL4A3 (collagen type IV alpha 3 chain; plus strand), MFF-DT (MFF divergent transcript; minus strand). Cytogenetic location: 2q36.3.
Variant type: single nucleotide variant.
Coding change: c.1669G>A on transcript NM_000091.5 (MANE Select); coding-DNA position 1669, G replaced by A.
Protein change: p.Gly557Arg; replaces glycine 557 with arginine.
Molecular consequence: missense variant.
Genome position (GRCh38, 1-based): chr2:227,270,863, G>A. VCF-style: chr2-227270863-G-A. GRCh37 (hg19) VCF-style: chr2-228135579-G-A.
Other names: short protein forms G557R.
Identifiers: ClinVar variation 838332 (VCV000838332.21), dbSNP rs1457269547, ClinGen allele CA350871788.